The following is an entry in ClinVar:

NM_024675.4(PALB2):c.2920_2921del (p.Lys974fs)

Gene: PALB2 (partner and localizer of BRCA2; minus strand). Cytogenetic location: 16p12.2.
Variant type: Deletion.
Coding change: c.2920_2921del on transcript NM_024675.4 (MANE Select); coding-DNA positions 2920 to 2921, 2 bases deleted (AA; older notation c.2920_2921delAA).
Protein change: p.Lys974fs; shifts the reading frame from lysine 974.
Molecular consequence: frameshift variant.
Genome position (GRCh38, 1-based): chr16:23,623,044-23,623,045, TT deleted on the plus strand (AA on the coding strand, the reverse complement: PALB2 is on the minus strand); deleting any 2 consecutive bases within chr16:23,623,044-23,623,046 gives the same sequence; the c. name uses the placement nearest the transcript's 3' end. VCF-style (leftmost placement, unchanged base first): chr16-23623043-CTT-C. GRCh37 (hg19) VCF-style: chr16-23634364-CTT-C.
Other names: c.2920_2921delAA (NM_024675.3).
Identifiers: ClinVar variation 126696 (VCV000126696.37), dbSNP rs180177126, ClinGen allele CA294510.

ClinVar aggregate classification (germline): Pathogenic. Review status: criteria provided, multiple submitters, no conflicts (2 of 4 stars). 14 submissions from 14 submitters: Pathogenic (11). 3 of the submissions do not count toward it. Last evaluated 2025-07-02.

Conditions:
Hereditary cancer-predisposing syndrome. Also called: Tumor predisposition; Hereditary neoplastic syndrome; Neoplastic Syndromes, Hereditary; Hereditary Cancer Syndrome. Identifiers: Orphanet 140162, MedGen C0027672, MeSH D009386, MONDO:0015356.
Hereditary breast ovarian cancer syndrome. Also called: Hereditary breast and ovarian cancer syndrome; Hereditary breast and ovarian cancer syndrome (HBOC); Breast and ovarian cancer; BRCA1- and BRCA2-Associated Hereditary Breast and Ovarian Cancer; Hereditary breast and ovarian cancer; Hereditary breast and/or ovarian cancer syndrome. Identifiers: Orphanet 145, MedGen C0677776, MeSH D061325, MONDO:0003582. Disease mechanism: loss of function.
Familial cancer of breast. Also called: hereditary breast carcinoma; Hereditary breast cancer; BREAST CANCER, FAMILIAL. Identifiers: Orphanet 227535, MedGen C0346153, MONDO:0016419, OMIM 114480. Disease mechanism: loss of function.
PALB2-related disorder. Also called: PALB2-related disorders; PALB2-related condition.
Pancreatic cancer, susceptibility to, 3. Identifiers: Orphanet 1333, MedGen C3150547, MONDO:0013236, OMIM 613348.
Fanconi anemia complementation group N. Also called: PALB2-Related Fanconi Anemia. Identifiers: Orphanet 84, MedGen C1835817, MONDO:0012565, OMIM 610832. Disease mechanism: loss of function.

Submissions (14):

Ambry Genetics
Classification: Pathogenic for Hereditary cancer-predisposing syndrome. Last evaluated: 2025-07-02. Review status: criteria provided, single submitter. Criteria: Ambry Variant Classification Scheme 2023. Collection method: clinical testing. Allele origin: germline.
Comment: The c.2920_2921delAA pathogenic mutation, located in coding exon 9 of the PALB2 gene, results from a deletion of 2 nucleotides between positions 2920 and 2921, causing a translational frameshift with a predicted alternate stop codon (p.K974EFS*5). This alteration has been previously reported in individuals with personal and family histories of breast cancer (Casadei S et al. Cancer Res. 2011 Mar; 71(6):2222-9; Antoniou AC et al. N. Engl. J. Med. 2014 Aug;371(6):497-506; Susswein LR et al. Genet Med. 2016 Aug;18(8):823-32; Decker B et al. J Med Genet. 2017 Nov;54(11):732-41). This variant is considered to be rare based on population cohorts in the Genome Aggregation Database (gnomAD). In addition to the clinical data presented in the literature, this alteration is expected to result in loss of function by premature protein truncation or nonsense-mediated mRNA decay. As such, this alteration is interpreted as a disease-causing mutation.

Color Diagnostics, LLC DBA Color Health
Classification: Pathogenic for Hereditary cancer-predisposing syndrome. Last evaluated: 2025-01-13. Review status: criteria provided, single submitter. Criteria: ACMG Guidelines, 2015. Collection method: clinical testing. Allele origin: germline.
Comment: This variant deletes 2 nucleotides in exon 9 of the PALB2 gene, creating a frameshift and premature translation stop signal. This variant is expected to result in an absent or non-functional protein product. This variant has been reported in individuals and families affected with breast cancer (PMID: 21285249, 26681312, 26898890, 28779002) and is reported to segregate with disease (PMID: 26898890). This variant also has been reported in a breast cancer case-control meta-analysis in 1/60466 cases and 0/53461 unaffected controls (PMID: 33471991; Leiden Open Variation Database DB-ID PALB2_010133). This variant has not been identified in the general population by the Genome Aggregation Database (gnomAD). Loss of PALB2 function is a known mechanism of disease. Based on the available evidence, this variant is classified as Pathogenic.

Labcorp Genetics (formerly Invitae), Labcorp
Classification: Pathogenic for Familial cancer of breast. Last evaluated: 2024-12-29. Review status: criteria provided, single submitter. Criteria: Invitae Variant Classification Sherloc (09022015). Collection method: clinical testing. Allele origin: germline.
Comment: This sequence change creates a premature translational stop signal (p.Lys974Glufs*5) in the PALB2 gene. It is expected to result in an absent or disrupted protein product. Loss-of-function variants in PALB2 are known to be pathogenic (PMID: 17200668, 17200671, 17200672, 24136930, 25099575). This variant is not present in population databases (gnomAD no frequency). This premature translational stop signal has been observed in individual(s) with breast cancer (PMID: 21285249, 28779002). ClinVar contains an entry for this variant (Variation ID: 126696). RNA analysis performed to evaluate the impact of this premature translational stop signal on mRNA splicing indicates it does not significantly alter splicing (internal data). For these reasons, this variant has been classified as Pathogenic.

Blueprint Genetics
Classification: Pathogenic for PALB2-related disorders. Last evaluated: 2024-05-14. Review status: criteria provided, single submitter. Criteria: ACMG Guidelines, 2015. Collection method: clinical testing. Allele origin: germline. Affected: yes. Observed: 1 variant allele.

Quest Diagnostics Nichols Institute San Juan Capistrano
Classification: Pathogenic. Last evaluated: 2024-02-12. Review status: criteria provided, single submitter. Criteria: Quest Diagnostics criteria. Collection method: clinical testing. Allele origin: unknown.
Comment: The PALB2 c.2920_2921del (p.Lys974Glufs*5) variant alters the translational reading frame of the PALB2 mRNA and causes the premature termination of PALB2 protein synthesis. This variant has been reported in the published literature in individuals and/or families affected with breast and/or ovarian cancer (PMID: 21285249 (2011), 25099575 (2014), 26681312 (2015), 26898890 (2016), 28779002 (2017), 33471991 (2021), see also LOVD, 35626031 (2022)). The frequency of this variant in the general population, 0.0000066 (1/152166 chromosomes (Genome Aggregation Database)), is consistent with pathogenicity. Based on the available information, this variant is classified as pathogenic.

Baylor Genetics
Classification: Pathogenic for Familial cancer of breast. Last evaluated: 2024-01-22. Review status: criteria provided, single submitter. Criteria: ACMG Guidelines, 2015. Collection method: clinical testing. Allele origin: unknown.

GeneDx
Classification: Pathogenic. Last evaluated: 2024-01-02. Review status: criteria provided, single submitter. Criteria: GeneDx Variant Classification Process June 2021. Collection method: clinical testing. Allele origin: germline. Affected: yes.
Comment: Frameshift variant predicted to result in protein truncation or nonsense mediated decay in a gene for which loss-of-function is a known mechanism of disease; Truncating variants in this gene are considered pathogenic by a well-established clinical consortium and/or database; Not observed at significant frequency in large population cohorts (gnomAD); This variant is associated with the following publications: (PMID: 21285249, 28779002, 25099575, 23935381, 28152038, 26898890, 26681312, 24870022, 33084842, 34326862, 35626031)

Myriad Genetics, Inc.
Classification: Pathogenic for Familial cancer of breast. Last evaluated: 2023-03-31. Review status: criteria provided, single submitter. Criteria: Myriad Autosomal Dominant, Autosomal Recessive and X-Linked Classification Criteria (2023). Collection method: clinical testing. Allele origin: unknown.
Comment: This variant is considered pathogenic. This variant creates a frameshift predicted to result in premature protein truncation.

Fulgent Genetics
Classification: Pathogenic for Familial cancer of breast; Fanconi anemia complementation group N; Pancreatic cancer, susceptibility to, 3. Last evaluated: 2022-05-19. Review status: criteria provided, single submitter. Criteria: ACMG Guidelines, 2015. Collection method: clinical testing. Allele origin: unknown.

Revvity Omics, Revvity
Classification: Pathogenic. Last evaluated: 2019-06-05. Review status: criteria provided, single submitter. Criteria: ACMG Guidelines, 2015. Collection method: clinical testing. Allele origin: germline.

Women's Health and Genetics/Laboratory Corporation of America, LabCorp
Classification: Pathogenic for Hereditary breast ovarian cancer syndrome. Last evaluated: 2017-03-13. Review status: criteria provided, single submitter. Criteria: LabCorp Variant Classification Summary - May 2015. Collection method: clinical testing. Allele origin: germline.
Comment: Variant summary: The PALB2 c.2920_2921delAA (p.Lys974Glufs) variant results in a premature termination codon, predicted to cause a truncated or absent PALB2 protein due to nonsense mediated decay, which are commonly known mechanisms for disease. This variant is absent in 123322 control chromosomes. Multiple publications cite the variant in affected individuals, along with multiple clinical diagnostic laboratories/reputable databases classifying the variant as "pathogenic." Therefore, the variant of interest has been classified as "pathogenic."

Leiden Open Variation Database
Classification: Pathogenic for Familial cancer of breast. Last evaluated: 2019-05-13. Review status: no assertion criteria provided. Collection method: curation. Allele origin: germline. Affected: yes. Not counted in ClinVar's aggregate classification.
Comment: Curators: Marc Tischkowitz, Arleen D. Auerbach. Submitter to LOVD: Marc Tischkowitz.

Counsyl
Classification: Pathogenic for Familial cancer of breast. Last evaluated: 2017-10-17. Review status: no assertion criteria provided. Collection method: clinical testing. Allele origin: unknown. Not counted in ClinVar's aggregate classification.

SNPedia
Classification: Pathogenic. Review status: no assertion criteria provided. Collection method: not provided. Allele origin: germline. Not counted in ClinVar's aggregate classification.
ClinVar note: Converted during submission from pathogenic to Pathogenic.

Literature cited by the submitters: PubMed 17420451 (cited by Ambry Genetics); PubMed 24870022 (cited by Ambry Genetics); PubMed 25099575 (cited by 4 submitters); PubMed 21285249 (cited by 6 submitters); PubMed 26681312 (cited by 3 submitters); PubMed 26898890 (cited by 4 submitters); PubMed 28779002 (cited by 3 submitters); PubMed 33471991 (cited by Color Diagnostics, LLC DBA Color Health and Quest Diagnostics Nichols Institute San Juan Capistrano); PubMed 17200668 (cited by Labcorp Genetics (formerly Invitae), Labcorp); PubMed 17200671 (cited by Labcorp Genetics (formerly Invitae), Labcorp); PubMed 17200672 (cited by Labcorp Genetics (formerly Invitae), Labcorp); PubMed 24136930 (cited by Labcorp Genetics (formerly Invitae), Labcorp); PubMed 35626031 (cited by Quest Diagnostics Nichols Institute San Juan Capistrano).